The following is an entry in ClinVar:

NM_002471.4(MYH6):c.161G>A (p.Arg54Gln)

Genes: MYH6 (myosin heavy chain 6; minus strand), LOC114827851 (VISTA enhancer hs2155; plus strand). Cytogenetic location: 14q11.2.
Variant type: single nucleotide variant.
Coding change: c.161G>A on transcript NM_002471.4 (MANE Select); coding-DNA position 161, G replaced by A.
Protein change: p.Arg54Gln; replaces arginine 54 with glutamine.
Molecular consequence: missense variant.
Genome position (GRCh38, 1-based): chr14:23,407,063, C>T on the plus strand (G>A on the coding strand, the complement: MYH6 is on the minus strand). VCF-style: chr14-23407063-C-T. GRCh37 (hg19) VCF-style: chr14-23876272-C-T.
Other names: short protein forms R54Q.
Identifiers: ClinVar variation 164257 (VCV000164257.34), dbSNP rs727503239, ClinGen allele CA176972.

ClinVar aggregate classification (germline): Conflicting classifications of pathogenicity. Review status: criteria provided, conflicting classifications (1 of 4 stars). 10 submissions from 10 submitters: Uncertain significance (6); Likely benign (1). 3 of the submissions do not count toward it. Last evaluated 2026-01-21.

Conditions:
Cardiovascular phenotype. Identifiers: MedGen CN230736.
Hypertrophic cardiomyopathy 14. Identifiers: MedGen C2750467, MONDO:0013197, OMIM 613251.
Atrial septal defect 3 (ASD3). Identifiers: Orphanet 1478, MedGen C3279790, MONDO:0013567, OMIM 614089.
Dilated cardiomyopathy 1EE (CMD1EE). Identifiers: Orphanet 154, MedGen C2750466, MONDO:0013198, OMIM 613252.
Hypertrophic cardiomyopathy 1 (CMH1). Also called: Familial hypertrophic cardiomyopathy 1; MYH7-Related Familial Hypertrophic Cardiomyopathy. Identifiers: MedGen C3495498, MONDO:0008647, OMIM 192600.
Sick sinus syndrome 3, susceptibility to (SSS3). Identifiers: Orphanet 166282, MedGen C3279791, MONDO:0013568, OMIM 614090.

Allele frequency attached by ClinVar (database versions not stated): TOPMed 0.00003; ExAC 0.00007; gnomAD exomes 0.00007; gnomAD 0.00010.
gnomAD v4.1: 106 of 1,614,220 alleles (0.0066%); highest among the groups gnomAD compares: Middle Eastern, 0.016%; 1 homozygote.

Submissions (10):

Labcorp Genetics (formerly Invitae), Labcorp
Classification: Uncertain significance for Hypertrophic cardiomyopathy 14. Last evaluated: 2026-01-21. Review status: criteria provided, single submitter. Criteria: Invitae Variant Classification Sherloc (09022015). Collection method: clinical testing. Allele origin: germline.
Comment: This sequence change replaces arginine, which is basic and polar, with glutamine, which is neutral and polar, at codon 54 of the MYH6 protein (p.Arg54Gln). This variant is present in population databases (rs727503239, gnomAD 0.01%). This missense change has been observed in individual(s) with clinical features of MYH6-related conditions (PMID: 30403391). ClinVar contains an entry for this variant (Variation ID: 164257). Invitae Evidence Modeling of protein sequence and biophysical properties (such as structural, functional, and spatial information, amino acid conservation, physicochemical variation, residue mobility, and thermodynamic stability) indicates that this missense variant is expected to disrupt MYH6 protein function with a positive predictive value of 80%. In summary, the available evidence is currently insufficient to determine the role of this variant in disease. Therefore, it has been classified as a Variant of Uncertain Significance.

Ambry Genetics
Classification: Uncertain significance for Cardiovascular phenotype. Last evaluated: 2025-07-02. Review status: criteria provided, single submitter. Criteria: Ambry Variant Classification Scheme 2023. Collection method: clinical testing. Allele origin: germline.
Comment: The p.R54Q variant (also known as c.161G>A), located in coding exon 1 of the MYH6 gene, results from a G to A substitution at nucleotide position 161. The arginine at codon 54 is replaced by glutamine, an amino acid with highly similar properties. This variant has been detected in a sudden cardiac arrest cohort in an individual reported to have long QT syndrome; however, details were limited (Stpie-Wojno M et al. Pol Arch Intern Med. 2018 Dec 21;128(12):721-730). This amino acid position is well conserved in available vertebrate species. In addition, this alteration is predicted to be tolerated by in silico analysis. Based on the available evidence, the clinical significance of this variant remains unclear.

GeneDx
Classification: Uncertain significance. Last evaluated: 2024-08-06. Review status: criteria provided, single submitter. Criteria: GeneDx Variant Classification Process June 2021. Collection method: clinical testing. Allele origin: germline. Affected: yes.
Comment: Identified in a patient with LQTS and SCA in published literature (PMID: 30403391); In silico analysis indicates that this missense variant does not alter protein structure/function; This variant is associated with the following publications: (PMID: 30403391)

Blueprint Genetics
Classification: Likely benign. Last evaluated: 2024-06-06. Review status: criteria provided, single submitter. Criteria: ACMG Guidelines, 2015. Collection method: clinical testing. Allele origin: germline.

Clinical Genomics Laboratory, Stanford Medicine
Classification: Uncertain significance. Last evaluated: 2022-11-01. Review status: criteria provided, single submitter. Criteria: ACMG Guidelines, 2015. Collection method: clinical testing. Allele origin: germline. Observed: 1 variant allele, 1 heterozygote.
Comment: The p.Arg54Gln variant in the MYH6 gene has been previously reported in 1 individual with long QT syndrome (PMID: 30403391). This variant has also been identified in 16/129,182 European (non-Finnish) chromosomes by the Genome Aggregation Database. This variant is present in ClinVar (Accession: VCV000164257.32). Computational tools predict that this variant is neither deleterious nor benign; however, the accuracy of in silico algorithms is limited. These data were assessed using the ACMG/AMP variant interpretation guidelines. In summary, the significance of the p.Arg54Gln variant is uncertain. Additional information is needed to resolve the significance of this variant. [ACMG evidence codes used: none]

Fulgent Genetics
Classification: Uncertain significance for Hypertrophic cardiomyopathy 1; Hypertrophic cardiomyopathy 14; Dilated cardiomyopathy 1EE; Atrial septal defect 3; Sick sinus syndrome 3, susceptibility to. Last evaluated: 2021-08-23. Review status: criteria provided, single submitter. Criteria: ACMG Guidelines, 2015. Collection method: clinical testing. Allele origin: unknown.

Laboratory for Molecular Medicine, Mass General Brigham Personalized Medicine
Classification: Uncertain significance. Last evaluated: 2013-04-09. Review status: criteria provided, single submitter. Criteria: LMM Criteria. Collection method: clinical testing. Allele origin: germline. Observed: 2 variant alleles.
Comment: This variant has also been identified in large European American and African American populations by the NHLBI Exome S equencing Project, though it may be present i n other populations. Computational analyses (biochemical amino acid properties, conservation, AlignGVGD, PolyPhen2, and SIFT) do not provide strong support for or against an impact to the protein. At this time, additional studies are needed to fully assess the clinical significance of this variant.

Clinical Genetics DNA and cytogenetics Diagnostics Lab, Erasmus MC, Erasmus Medical Center
Classification: Uncertain significance. Review status: no assertion criteria provided. Collection method: clinical testing. Allele origin: germline. Affected: yes. Study: VKGL Data-share Consensus. Not counted in ClinVar's aggregate classification.

Clinical Genetics, Academic Medical Center
Classification: Uncertain significance. Review status: no assertion criteria provided. Collection method: clinical testing. Allele origin: germline. Affected: yes. Study: VKGL Data-share Consensus. Not counted in ClinVar's aggregate classification.

Genome Diagnostics Laboratory, University Medical Center Utrecht
Classification: Uncertain significance. Review status: no assertion criteria provided. Collection method: clinical testing. Allele origin: germline. Affected: yes. Study: VKGL Data-share Consensus. Not counted in ClinVar's aggregate classification.

Literature cited by the submitters: PubMed 30403391 (cited by 3 submitters).